The following is an entry in ClinVar:

ClinVar aggregate classification (germline): Pathogenic. Review status: criteria provided, multiple submitters, no conflicts (2 of 4 stars). 2 submissions from 2 submitters: Pathogenic (2). Last evaluated 2026-02-01.

Submissions (2):

Labcorp Genetics (formerly Invitae), Labcorp
Classification: Pathogenic. Last evaluated: 2026-02-01. Review status: criteria provided, single submitter. Criteria: Invitae Variant Classification Sherloc (09022015). Collection method: clinical testing. Allele origin: germline.
Comment: This sequence change creates a premature translational stop signal (p.Ile4803Serfs*15) in the USH2A gene. It is expected to result in an absent or disrupted protein product. Loss-of-function variants in USH2A are known to be pathogenic (PMID: 10729113, 10909849, 20507924, 25649381). Information on the frequency of this variant in the gnomAD database is not available, as this variant may be reported differently in the database. This premature translational stop signal has been observed in individual(s) with USH2A-related conditions (PMID: 36011334). ClinVar contains an entry for this variant (Variation ID: 1445479). For these reasons, this variant has been classified as Pathogenic.

GeneDx
Classification: Pathogenic. Last evaluated: 2023-03-16. Review status: criteria provided, single submitter. Criteria: GeneDx Variant Classification Process June 2021. Collection method: clinical testing. Allele origin: germline. Affected: yes.
Comment: Frameshift variant predicted to result in protein truncation or nonsense mediated decay in a gene for which loss of function is a known mechanism of disease; Not observed at significant frequency in large population cohorts (gnomAD); This variant is associated with the following publications: (PMID: 36011334)

Literature cited by the submitters: PubMed 10729113 (cited by Labcorp Genetics (formerly Invitae), Labcorp); PubMed 10909849 (cited by Labcorp Genetics (formerly Invitae), Labcorp); PubMed 20507924 (cited by Labcorp Genetics (formerly Invitae), Labcorp); PubMed 25649381 (cited by Labcorp Genetics (formerly Invitae), Labcorp); PubMed 36011334 (cited by Labcorp Genetics (formerly Invitae), Labcorp).

NM_206933.4(USH2A):c.14407_14420delinsTCA (p.Ile4803fs)

Gene: USH2A (usherin; minus strand). Cytogenetic location: 1q41.
Variant type: Indel.
Coding change: c.14407_14420delinsTCA on transcript NM_206933.4 (MANE Select); coding-DNA positions 14407 to 14420, ATTGGAGTAGAGGC replaced by TCA.
Protein change: p.Ile4803fs; shifts the reading frame from isoleucine 4803.
Molecular consequence: frameshift variant.
Genome position (GRCh38, 1-based): chr1:215,648,690-215,648,703, GCCTCTACTCCAAT replaced by TGA on the plus strand (ATTGGAGTAGAGGC replaced by TCA on the coding strand, the reverse complement: USH2A is on the minus strand). VCF-style: chr1-215648690-GCCTCTACTCCAAT-TGA. GRCh37 (hg19) VCF-style: chr1-215822032-GCCTCTACTCCAAT-TGA.
Other names: short protein forms I4803fs.
Identifiers: ClinVar variation 2579939 (VCV002579939.2), dbSNP rs2464816091, ClinGen allele CA2580617945.